The following is an entry in ClinVar:

NM_032217.5(ANKRD17):c.1185G>A (p.Thr395=)

Gene: ANKRD17 (ankyrin repeat domain 17; minus strand). Cytogenetic location: 4q13.3.
Variant type: single nucleotide variant.
Coding change: c.1185G>A on transcript NM_032217.5 (MANE Select); coding-DNA position 1185, G replaced by A.
Protein change: p.Thr395=; no amino-acid change (threonine 395 retained).
Molecular consequence: synonymous variant.
Genome position (GRCh38, 1-based): chr4:73,153,929, C>T on the plus strand (G>A on the coding strand, the complement: ANKRD17 is on the minus strand). VCF-style: chr4-73153929-C-T. GRCh37 (hg19) VCF-style: chr4-74019646-C-T.
Other names: c.846G>A, p.Thr282= (NM_001286771.3); c.1185G>A, p.Thr395= (NM_015574.2, NM_198889.3).
Identifiers: ClinVar variation 2654822 (VCV002654822.24), dbSNP rs377567587, ClinGen allele CA2958993.

ClinVar aggregate classification (germline): Likely benign (1 of 4 stars; one submission).

Allele frequency attached by ClinVar (database versions not stated): gnomAD 0.00003; TOPMed 0.00004; ExAC 0.00006; ESP Exome Variant Server 0.00015.
gnomAD v4.1: 117 of 1,608,862 alleles (0.0073%); highest among the groups gnomAD compares: East Asian, 0.018%; no homozygotes.

Submission:

CeGaT Center for Human Genetics Tuebingen
Classification: Likely benign. Last evaluated: 2022-08-01. Review status: criteria provided, single submitter. Criteria: CeGaT Center For Human Genetics Tuebingen Variant Classification Criteria Version 2. Collection method: clinical testing. Allele origin: germline. Affected: yes. Observed: 1 variant allele.
Comment: ANKRD17: BP4, BP7